The following is an entry in ClinVar:

NM_002473.6(MYH9):c.3485+2TG[3]

Gene: MYH9 (myosin heavy chain 9; minus strand). Cytogenetic location: 22q12.3.
Variant type: Microsatellite.
Coding change: c.3485+2TG[3] on transcript NM_002473.6 (MANE Select); three copies in a row of the 2-base unit TG starting at c.3485+2; the reference has two copies in a row; one copy, 2 bases duplicated.
Molecular consequence: splice donor variant.
Genome position (GRCh38, 1-based): chr22:36,295,500-36,295,501, CA duplicated on the plus strand (TG on the coding strand, the reverse complement: MYH9 is on the minus strand); duplicating any 2 consecutive bases within chr22:36,295,500-36,295,504 gives the same sequence; the position shown is the placement nearest the transcript's 3' end. VCF-style (leftmost placement, unchanged base first): chr22-36295499-G-GCA. GRCh37 (hg19) VCF-style: chr22-36691545-G-GCA.
Identifiers: ClinVar variation 4691779 (VCV004691779.1).

ClinVar aggregate classification (germline): Uncertain significance (1 of 4 stars; one submission).

Submission:

Labcorp Genetics (formerly Invitae), Labcorp
Classification: Uncertain significance. Last evaluated: 2025-09-03. Review status: criteria provided, single submitter. Criteria: Invitae Variant Classification Sherloc (09022015). Collection method: clinical testing. Allele origin: germline.
Comment: This sequence change falls in intron 26 of the MYH9 gene. It does not directly change the encoded amino acid sequence of the MYH9 protein. It affects a nucleotide within the consensus splice site. This variant is not present in population databases (gnomAD no frequency). This variant has not been reported in the literature in individuals affected with MYH9-related conditions. Variants that disrupt the consensus splice site are a relatively common cause of aberrant splicing (PMID: 17576681, 9536098). Algorithms developed to predict the effect of sequence changes on RNA splicing suggest that this variant is not likely to affect RNA splicing. In summary, the available evidence is currently insufficient to determine the role of this variant in disease. Therefore, it has been classified as a Variant of Uncertain Significance.

Literature cited by the submitters: PubMed 17576681; PubMed 9536098.